The following is an entry in ClinVar:

NM_000393.5(COL5A2):c.2423C>T (p.Pro808Leu)

Gene: COL5A2 (collagen type V alpha 2 chain; minus strand). Cytogenetic location: 2q32.2.
Variant type: single nucleotide variant.
Coding change: c.2423C>T on transcript NM_000393.5 (MANE Select); coding-DNA position 2423, C replaced by T.
Protein change: p.Pro808Leu; replaces proline 808 with leucine.
Molecular consequence: missense variant.
Genome position (GRCh38, 1-based): chr2:189,054,181, G>A on the plus strand (C>T on the coding strand, the complement: COL5A2 is on the minus strand). VCF-style: chr2-189054181-G-A. GRCh37 (hg19) VCF-style: chr2-189918907-G-A.
Other names: short protein forms P808L.
Identifiers: ClinVar variation 333143 (VCV000333143.16), dbSNP rs575864379, ClinGen allele CA2022337.

ClinVar aggregate classification (germline): Conflicting classifications of pathogenicity. Review status: criteria provided, conflicting classifications (1 of 4 stars). 4 submissions from 4 submitters: Uncertain significance (2); Likely benign (2). Last evaluated 2026-01-19.

Conditions:
Ehlers-Danlos syndrome, classic type, 1 (EDSCL1). Also called: Ehlers-Danlos syndrome, type 1; EHLERS-DANLOS SYNDROME, GRAVIS TYPE; EHLERS-DANLOS SYNDROME, SEVERE CLASSIC TYPE; Ehlers-Danlos Syndrome, Classic Type, COL5A1-Related; EDS I. Identifiers: MedGen C0268335, MONDO:0019567, OMIM 130000.
Familial thoracic aortic aneurysm and aortic dissection (TAAD). Also called: Thoracic aortic aneurysms and dissections. Identifiers: Orphanet 91387, MedGen C4707243, MONDO:0019625.

Allele frequency attached by ClinVar (database versions not stated): gnomAD 0.00001 and 0.00003; TOPMed 0.00003; 1000 Genomes Project 0.00060; gnomAD exomes 0.00002 and 0.00006; 1000 Genomes Project 30x 0.00047; ExAC 0.00007.
gnomAD v4.1: 36 of 1,614,010 alleles (0.0022%); highest among the groups gnomAD compares: South Asian, 0.016%; no homozygotes.

Submissions (4):

Labcorp Genetics (formerly Invitae), Labcorp
Classification: Likely benign for Ehlers-Danlos syndrome, classic type, 1. Last evaluated: 2026-01-19. Review status: criteria provided, single submitter. Criteria: Invitae Variant Classification Sherloc (09022015). Collection method: clinical testing. Allele origin: germline.

Ambry Genetics
Classification: Uncertain significance for Familial thoracic aortic aneurysm and aortic dissection. Last evaluated: 2025-02-21. Review status: criteria provided, single submitter. Criteria: Ambry Variant Classification Scheme 2023. Collection method: clinical testing. Allele origin: germline.
Comment: The p.P808L variant (also known as c.2423C>T), located in coding exon 36 of the COL5A2 gene, results from a C to T substitution at nucleotide position 2423. The proline at codon 808 is replaced by leucine, an amino acid with similar properties. This amino acid position is well conserved in available vertebrate species. In addition, this alteration is predicted to be deleterious by in silico analysis. Based on the available evidence, the clinical significance of this variant remains unclear.

Laboratory of Genetics, Children's Clinical University Hospital Latvia
Classification: Likely benign. Last evaluated: 2025-02-16. Review status: criteria provided, single submitter. Criteria: ACMG Guidelines, 2015. Collection method: clinical testing. Allele origin: germline. Affected: yes.

ARUP Laboratories, Molecular Genetics and Genomics, ARUP Laboratories
Classification: Uncertain significance. Last evaluated: 2018-05-06. Review status: criteria provided, single submitter. Criteria: ARUP Molecular Germline Variant Investigation Process. Collection method: clinical testing. Allele origin: germline.
Comment: The COL5A2 c.2423C>T; p.Pro808Leu variant (rs575864379), to our knowledge, is not described in the medical literature but is reported as likely benign by one laboratory in ClinVar (Variation ID: 333143) and is observed in the general population at an overall frequency of 0.006% (15/246072 alleles) in the Genome Aggregation Database. The proline at codon 808 is highly conserved, but computational algorithms (PolyPhen-2: possibly damaging, SIFT: tolerated) predict conflicting effects of this variant on protein structure and/or function. Due to limited information regarding this variant, its clinical significance cannot be determined with certainty. Pathogenic variants of COL5A2 are associated with autosomal dominant Ehlers-Danlos syndrome, classic type (MIM: 130000).